The following is an entry in ClinVar:

ClinVar aggregate classification (germline): Uncertain significance (1 of 4 stars; one submission).

gnomAD v4.1: 1 of 1,613,442 alleles (0.000062%); no homozygotes.

Submission:

Labcorp Genetics (formerly Invitae), Labcorp
Classification: Uncertain significance. Last evaluated: 2025-12-06. Review status: criteria provided, single submitter. Criteria: Invitae Variant Classification Sherloc (09022015). Collection method: clinical testing. Allele origin: germline.
Comment: This sequence change replaces phenylalanine, which is neutral and non-polar, with tyrosine, which is neutral and polar, at codon 841 of the ATR protein (p.Phe841Tyr). This variant is not present in population databases (gnomAD no frequency). This variant has not been reported in the literature in individuals affected with ATR-related conditions. An algorithm developed to predict the effect of missense changes on protein structure and function (PolyPhen-2) suggests that this variant is likely to be tolerated. In summary, the available evidence is currently insufficient to determine the role of this variant in disease. Therefore, it has been classified as a Variant of Uncertain Significance.

NM_001184.4(ATR):c.2522T>A (p.Phe841Tyr)

Gene: ATR (ATR checkpoint kinase; minus strand). Cytogenetic location: 3q23.
Variant type: single nucleotide variant.
Coding change: c.2522T>A on transcript NM_001184.4 (MANE Select); coding-DNA position 2522, T replaced by A.
Protein change: p.Phe841Tyr; replaces phenylalanine 841 with tyrosine.
Molecular consequence: missense variant.
Genome position (GRCh38, 1-based): chr3:142,553,835, A>T on the plus strand (T>A on the coding strand, the complement: ATR is on the minus strand). VCF-style: chr3-142553835-A-T. GRCh37 (hg19) VCF-style: chr3-142272677-A-T.
Other names: c.2330T>A, p.Phe777Tyr (NM_001354579.2); short protein forms F777Y, F841Y.
Identifiers: ClinVar variation 4696185 (VCV004696185.1).